The following is an entry in ClinVar:

NM_020461.4(TUBGCP6):c.563C>G (p.Thr188Ser)

Gene: TUBGCP6 (tubulin gamma complex component 6; minus strand). Cytogenetic location: 22q13.33.
Variant type: single nucleotide variant.
Coding change: c.563C>G on transcript NM_020461.4 (MANE Select); coding-DNA position 563, C replaced by G.
Protein change: p.Thr188Ser; replaces threonine 188 with serine.
Molecular consequence: missense variant.
Genome position (GRCh38, 1-based): chr22:50,243,897, G>C on the plus strand (C>G on the coding strand, the complement: TUBGCP6 is on the minus strand). VCF-style: chr22-50243897-G-C. GRCh37 (hg19) VCF-style: chr22-50682326-G-C.
Other names: c.563C>G (NM_020461.3); short protein forms T188S.
Identifiers: ClinVar variation 1964706 (VCV001964706.7), dbSNP rs750138232, ClinGen allele CA10309029.

ClinVar aggregate classification (germline): Conflicting classifications of pathogenicity. Review status: criteria provided, conflicting classifications (1 of 4 stars). 2 submissions from 2 submitters: Uncertain significance (1); Likely benign (1). Last evaluated 2023-03-22.

Conditions:
Inborn genetic diseases. Identifiers: MedGen C0950123, MeSH D030342.

Allele frequency attached by ClinVar (database versions not stated): gnomAD 0.00001; TOPMed 0.00001; ExAC 0.00004.
gnomAD v4.1: 14 of 1,613,870 alleles (0.00087%); highest among the groups gnomAD compares: East Asian, 0.031%; no homozygotes.

Submissions (2):

Ambry Genetics
Classification: Likely benign for Inborn genetic diseases. Last evaluated: 2023-03-22. Review status: criteria provided, single submitter. Criteria: Ambry Variant Classification Scheme 2023. Collection method: clinical testing. Allele origin: germline.

Labcorp Genetics (formerly Invitae), Labcorp
Classification: Uncertain significance. Last evaluated: 2022-05-16. Review status: criteria provided, single submitter. Criteria: Invitae Variant Classification Sherloc (09022015). Collection method: clinical testing. Allele origin: germline.
Comment: This sequence change replaces threonine, which is neutral and polar, with serine, which is neutral and polar, at codon 188 of the TUBGCP6 protein (p.Thr188Ser). This variant is present in population databases (rs750138232, gnomAD 0.07%). This variant has not been reported in the literature in individuals affected with TUBGCP6-related conditions. Algorithms developed to predict the effect of missense changes on protein structure and function (SIFT, PolyPhen-2, Align-GVGD) all suggest that this variant is likely to be tolerated. In summary, the available evidence is currently insufficient to determine the role of this variant in disease. Therefore, it has been classified as a Variant of Uncertain Significance.